The following is an entry in ClinVar:

NM_002354.3(EPCAM):c.290C>T (p.Pro97Leu)

Gene: EPCAM (epithelial cell adhesion molecule; plus strand). Cytogenetic location: 2p21.
Variant type: single nucleotide variant.
Coding change: c.290C>T on transcript NM_002354.3 (MANE Select); coding-DNA position 290, C replaced by T.
Protein change: p.Pro97Leu; replaces proline 97 with leucine.
Molecular consequence: missense variant.
Genome position (GRCh38, 1-based): chr2:47,373,913, C>T. VCF-style: chr2-47373913-C-T. GRCh37 (hg19) VCF-style: chr2-47601052-C-T.
Other names: short protein forms P97L.
Identifiers: ClinVar variation 2561074 (VCV002561074.2), dbSNP rs1671352329, ClinGen allele CA346723085.

ClinVar aggregate classification (germline): Uncertain significance (1 of 4 stars; one submission).

Conditions:
Hereditary cancer-predisposing syndrome. Also called: Neoplastic Syndromes, Hereditary; Hereditary Cancer Syndrome; Hereditary neoplastic syndrome; Tumor predisposition. Identifiers: Orphanet 140162, MedGen C0027672, MeSH D009386, MONDO:0015356.

Submission:

Ambry Genetics
Classification: Uncertain significance for Hereditary cancer-predisposing syndrome. Last evaluated: 2023-04-16. Review status: criteria provided, single submitter. Criteria: Ambry Variant Classification Scheme 2023. Collection method: clinical testing. Allele origin: germline.
Comment: The p.P97L variant (also known as c.290C>T), located in coding exon 3 of the EPCAM gene, results from a C to T substitution at nucleotide position 290. The proline at codon 97 is replaced by leucine, an amino acid with similar properties. This amino acid position is conserved. In addition, this alteration is predicted to be deleterious by in silico analysis. Since supporting evidence is limited at this time, the clinical significance of this alteration remains unclear.